The following is an entry in ClinVar:

ClinVar aggregate classification (germline): Uncertain significance (1 of 4 stars; one submission).

Allele frequency attached by ClinVar (database versions not stated): gnomAD 0.00001; TOPMed 0.00003.
gnomAD v4.1: 12 of 1,613,754 alleles (0.00074%); highest among the groups gnomAD compares: South Asian, 0.0044%; no homozygotes.

Submission:

Labcorp Genetics (formerly Invitae), Labcorp
Classification: Uncertain significance. Last evaluated: 2022-02-20. Review status: criteria provided, single submitter. Criteria: Invitae Variant Classification Sherloc (09022015). Collection method: clinical testing. Allele origin: germline.
Comment: This sequence change replaces valine, which is neutral and non-polar, with isoleucine, which is neutral and non-polar, at codon 1045 of the AP3B2 protein (p.Val1045Ile). This variant is present in population databases (no rsID available, gnomAD 0.003%). This variant has not been reported in the literature in individuals affected with AP3B2-related conditions. Algorithms developed to predict the effect of missense changes on protein structure and function (SIFT, PolyPhen-2, Align-GVGD) all suggest that this variant is likely to be tolerated. In summary, the available evidence is currently insufficient to determine the role of this variant in disease. Therefore, it has been classified as a Variant of Uncertain Significance.

NM_001278512.2(AP3B2):c.3190G>A (p.Val1064Ile)

Genes: AP3B2 (adaptor related protein complex 3 subunit beta 2; minus strand), CPEB1-AS1 (CPEB1 antisense RNA 1; plus strand). Cytogenetic location: 15q25.2.
Variant type: single nucleotide variant.
Coding change: c.3190G>A on transcript NM_001278512.2 (MANE Select); coding-DNA position 3190, G replaced by A.
Protein change: p.Val1064Ile; replaces valine 1064 with isoleucine.
Molecular consequence: missense variant.
Genome position (GRCh38, 1-based): chr15:82,659,676, C>T on the plus strand (G>A on the coding strand, the complement: AP3B2 is on the minus strand). VCF-style: chr15-82659676-C-T. GRCh37 (hg19) VCF-style: chr15-83328428-C-T.
Other names: c.3037G>A, p.Val1013Ile (NM_001278511.2); c.322G>A, p.Val108Ile (NM_001348441.2); c.3133G>A, p.Val1045Ile (NM_004644.5); short protein forms V1013I, V1064I, V1045I, V108I.
Identifiers: ClinVar variation 1924369 (VCV001924369.2), dbSNP rs959640052, ClinGen allele CA273478492.